The following is an entry in ClinVar:

NM_004415.4(DSP):c.4888G>A (p.Glu1630Lys)

Gene: DSP (desmoplakin; plus strand). Cytogenetic location: 6p24.3.
Variant type: single nucleotide variant.
Coding change: c.4888G>A on transcript NM_004415.4 (MANE Select); coding-DNA position 4888, G replaced by A.
Protein change: p.Glu1630Lys; replaces glutamic acid 1630 with lysine.
Molecular consequence: missense variant. On other transcripts: intron variant (2).
Genome position (GRCh38, 1-based): chr6:7,581,078, G>A. VCF-style: chr6-7581078-G-A. GRCh37 (hg19) VCF-style: chr6-7581311-G-A.
Other names: c.4050+838G>A (NM_001319034.2); c.3582+1306G>A (NM_001008844.3); short protein forms E1630K.
Identifiers: ClinVar variation 1351348 (VCV001351348.8), dbSNP rs2113695154, ClinGen allele CA362687376.
Genomic context (GRCh38, chr6:7,581,078, plus strand): 5'-ATCAAAATCACCAACCTGACCCAGCAGCTGGAGCAGGCATCCATTGTTAAGAAGAGGAGT[G>A]AGGATGACCTCCGGCAGCAGAGGGACGTGCTGGATGGCCACCTGAGGGAAAAGCAGAGGA-3'
Protein context (NP_004406.2, residues 1620-1640): EQASIVKKRS[Glu1630Lys]DDLRQQRDVL

ClinVar aggregate classification (germline): Uncertain significance (1 of 4 stars; one submission).

Conditions:
Arrhythmogenic cardiomyopathy with wooly hair and keratoderma. Also called: Dilated cardiomyopathy with woolly hair and keratoderma; Arrhythmogenic cardiomyopathy with woolly hair and keratoderma; PALMOPLANTAR KERATODERMA WITH LEFT VENTRICULAR CARDIOMYOPATHY AND WOOLLY HAIR; Carvajal syndrome. Identifiers: Orphanet 65282, MedGen C1854063, MONDO:0011581, OMIM 605676.
Arrhythmogenic right ventricular dysplasia 8 (ARVD8). Also called: Arrhythmogenic Right Ventricular Dysplasia/Cardiomyopathy 8; ARRHYTHMOGENIC RIGHT VENTRICULAR DYSPLASIA, FAMILIAL, 8; ARRHYTHMOGENIC RIGHT VENTRICULAR CARDIOMYOPATHY 8. Identifiers: MedGen C1843896, MONDO:0011831, OMIM 607450.

Submission:

Labcorp Genetics (formerly Invitae), Labcorp
Classification: Uncertain significance for Arrhythmogenic cardiomyopathy with wooly hair and keratoderma; Arrhythmogenic right ventricular dysplasia 8. Last evaluated: 2025-01-13. Review status: criteria provided, single submitter. Criteria: Invitae Variant Classification Sherloc (09022015). Collection method: clinical testing. Allele origin: germline.
Comment: This sequence change replaces glutamic acid, which is acidic and polar, with lysine, which is basic and polar, at codon 1630 of the DSP protein (p.Glu1630Lys). This variant is not present in population databases (gnomAD no frequency). This variant has not been reported in the literature in individuals affected with DSP-related conditions. ClinVar contains an entry for this variant (Variation ID: 1351348). An algorithm developed to predict the effect of missense changes on protein structure and function (PolyPhen-2) suggests that this variant is likely to be disruptive. In summary, the available evidence is currently insufficient to determine the role of this variant in disease. Therefore, it has been classified as a Variant of Uncertain Significance.